The following is an entry in ClinVar:

NM_000059.4(BRCA2):c.4856A>T (p.Asn1619Ile)

Gene: BRCA2 (BRCA2 DNA repair associated; plus strand). Cytogenetic location: 13q13.1.
Variant type: single nucleotide variant.
Coding change: c.4856A>T on transcript NM_000059.4 (MANE Select); coding-DNA position 4856, A replaced by T.
Protein change: p.Asn1619Ile; replaces asparagine 1619 with isoleucine.
Molecular consequence: missense variant.
Genome position (GRCh38, 1-based): chr13:32,339,211, A>T. VCF-style: chr13-32339211-A-T. GRCh37 (hg19) VCF-style: chr13-32913348-A-T.
Other names: short protein forms N1619I.
Identifiers: ClinVar variation 481583 (VCV000481583.7), dbSNP rs80358709, ClinGen allele CA387783409.

ClinVar aggregate classification (germline): Conflicting classifications of pathogenicity. Review status: criteria provided, conflicting classifications (1 of 4 stars). 2 submissions from 2 submitters: Uncertain significance (1); Likely benign (1). Last evaluated 2023-03-23.

Conditions:
Hereditary cancer-predisposing syndrome. Also called: Neoplastic Syndromes, Hereditary; Tumor predisposition; Hereditary Cancer Syndrome; Hereditary neoplastic syndrome. Identifiers: Orphanet 140162, MedGen C0027672, MeSH D009386, MONDO:0015356.

Submissions (2):

University of Washington Department of Laboratory Medicine, University of Washington
Classification: Likely benign for Hereditary cancer-predisposing syndrome. Last evaluated: 2023-03-23. Review status: criteria provided, single submitter. Criteria: Dines et al. (Genet Med. 2020). Collection method: curation. Allele origin: germline.
Comment: Missense variant in a coldspot region where missense variants are very unlikely to be pathogenic (PMID:31911673).

BRCA2 exon 11 coldspot. Reclassification based on statistical prior probability.

Ambry Genetics
Classification: Uncertain significance for Hereditary cancer-predisposing syndrome. Last evaluated: 2016-12-06. Review status: criteria provided, single submitter. Criteria: Ambry Variant Classification Scheme 2023. Collection method: clinical testing. Allele origin: germline.
Comment: The p.N1619I variant (also known as c.4856A>T), located in coding exon 10 of the BRCA2 gene, results from an A to T substitution at nucleotide position 4856. The asparagine at codon 1619 is replaced by isoleucine, an amino acid with dissimilar properties. This amino acid position is poorly conserved in available vertebrate species. In addition, this alteration is predicted to be tolerated by in silico analysis. Since supporting evidence is limited at this time, the clinical significance of this alteration remains unclear.